The following is an entry in ClinVar:

NM_173628.4(DNAH17):c.2287+4C>T

Gene: DNAH17 (dynein axonemal heavy chain 17; minus strand). Cytogenetic location: 17q25.3.
Variant type: single nucleotide variant.
Coding change: c.2287+4C>T on transcript NM_173628.4 (MANE Select); 4 bases into the intron after coding-DNA position 2287, C replaced by T.
Molecular consequence: intron variant.
Genome position (GRCh38, 1-based): chr17:78,552,693, G>A on the plus strand (C>T on the coding strand, the complement: DNAH17 is on the minus strand). VCF-style: chr17-78552693-G-A. GRCh37 (hg19) VCF-style: chr17-76548775-G-A.
Identifiers: ClinVar variation 3038399 (VCV003038399.3), dbSNP rs183021413, ClinGen allele CA8804797.
Genomic context (GRCh38, chr17:78,552,693, plus strand): 5'-ACAGATGCTGGGCAGGTTGGACTCCCAAGTTTAATCCAATGTGGGAGGAATGTGGCCTCC[G>A]TACCTTCGCCATTCCAGAATAATGTCGTTTCAGCGCTCAATAACTTGACATCAATTGCTT-3'

ClinVar aggregate classification (germline): Likely benign. Review status: criteria provided, single submitter (1 of 4 stars). 2 submissions from 2 submitters: Likely benign (1). 1 of the submissions does not count toward it. Last evaluated 2024-11-13.

Conditions:
DNAH17-related disorder. Also called: DNAH17-related condition.

Allele frequency attached by ClinVar (database versions not stated): 1000 Genomes Project 30x 0.00094; 1000 Genomes Project 0.00100; ExAC 0.00111; ESP Exome Variant Server 0.00169.
gnomAD v4.1: 3,579 of 1,610,488 alleles (0.22%); highest among the groups gnomAD compares: Non-Finnish European, 0.28%; 7 homozygotes.

Submissions (2):

Blueprint Genetics
Classification: Likely benign. Last evaluated: 2024-11-13. Review status: criteria provided, single submitter. Criteria: ACMG Guidelines, 2015. Collection method: clinical testing. Allele origin: germline.

PreventionGenetics, part of Exact Sciences
Classification: Likely benign for DNAH17-related condition. Last evaluated: 2019-05-24. Review status: no assertion criteria provided. Collection method: clinical testing. Allele origin: germline. Not counted in ClinVar's aggregate classification.
Comment: This variant is classified as likely benign based on ACMG/AMP sequence variant interpretation guidelines (Richards et al. 2015 PMID: 25741868, with internal and published modifications).